The following is an entry in ClinVar:

ClinVar aggregate classification (germline): Uncertain significance (1 of 4 stars; one submission).

Submission:

Labcorp Genetics (formerly Invitae), Labcorp
Classification: Uncertain significance. Last evaluated: 2025-08-27. Review status: criteria provided, single submitter. Criteria: Invitae Variant Classification Sherloc (09022015). Collection method: clinical testing. Allele origin: germline.
Comment: This sequence change replaces arginine, which is basic and polar, with serine, which is neutral and polar, at codon 468 of the CEP97 protein (p.Arg468Ser). This variant is not present in population databases (gnomAD no frequency). This variant has not been reported in the literature in individuals affected with CEP97-related conditions. Invitae Evidence Modeling of protein sequence and biophysical properties (such as structural, functional, and spatial information, amino acid conservation, physicochemical variation, residue mobility, and thermodynamic stability) indicates that this missense variant is not expected to disrupt CEP97 protein function with a negative predictive value of 80%. In summary, the available evidence is currently insufficient to determine the role of this variant in disease. Therefore, it has been classified as a Variant of Uncertain Significance.

NM_024548.4(CEP97):c.1404A>C (p.Arg468Ser)

Gene: CEP97 (centrosomal protein 97; plus strand). Cytogenetic location: 3q12.3.
Variant type: single nucleotide variant.
Coding change: c.1404A>C on transcript NM_024548.4 (MANE Select); coding-DNA position 1404, A replaced by C.
Protein change: p.Arg468Ser; replaces arginine 468 with serine.
Molecular consequence: missense variant.
Genome position (GRCh38, 1-based): chr3:101,758,010, A>C. VCF-style: chr3-101758010-A-C. GRCh37 (hg19) VCF-style: chr3-101476854-A-C.
Other names: c.1227A>C, p.Arg409Ser (NM_001303401.2); c.1302A>C, p.Arg434Ser (NM_001410784.1); c.1125A>C, p.Arg375Ser (NM_001410785.1); short protein forms R434S, R468S, R375S, R409S.
Identifiers: ClinVar variation 4741334 (VCV004741334.1).